The following is an entry in ClinVar:

ClinVar aggregate classification (germline): Likely benign (0 of 4 stars; one submission).

Conditions:
EPO-related disorder. Also called: EPO-related condition.

Submission:

PreventionGenetics, part of Exact Sciences
Classification: Likely benign for EPO-related condition. Last evaluated: 2019-04-30. Review status: no assertion criteria provided. Collection method: clinical testing. Allele origin: germline.
Comment: This variant is classified as likely benign based on ACMG/AMP sequence variant interpretation guidelines (Richards et al. 2015 PMID: 25741868, with internal and published modifications).

NM_000799.4(EPO):c.*8del

Gene: EPO (erythropoietin; plus strand). Cytogenetic location: 7q22.1.
Variant type: Deletion.
Coding change: c.*8del on transcript NM_000799.4 (MANE Select); 8 bases downstream of the stop codon, one base deleted (T; older notation c.*8delT).
Molecular consequence: 3 prime UTR variant.
Genome position (GRCh38, 1-based): chr7:100,723,141, T deleted. VCF-style (leftmost placement, unchanged base first): chr7-100723140-GT-G. GRCh37 (hg19) VCF-style: chr7-100320763-GT-G.
Identifiers: ClinVar variation 3056668 (VCV003056668.2), dbSNP rs2486364274, ClinGen allele CA2740097432.